The following is an entry in ClinVar:

ClinVar aggregate classification (germline): Uncertain significance (1 of 4 stars; one submission).

Submission:

Labcorp Genetics (formerly Invitae), Labcorp
Classification: Uncertain significance. Last evaluated: 2019-12-20. Review status: criteria provided, single submitter. Criteria: Invitae Variant Classification Sherloc (09022015). Collection method: clinical testing. Allele origin: germline.
Comment: This variant results in a copy number gain of the genomic region encompassing exons 1-3 of the ADAMTS18 gene, which includes the initiator codon. The 5' end of this event is unknown as it extends beyond the assayed region for this gene and therefore may encompass additional genes. The 3' boundary is likely confined to intron 3 of the ADAMTS18 gene. As the precise location of this event is unknown, it may be in tandem or it may be located elsewhere in the genome. This variant has not been reported in the literature in individuals with ADAMTS18-related conditions. In summary, the available evidence is currently insufficient to determine the role of this variant in disease. Therefore, it has been classified as a Variant of Uncertain Significance.

NC_000016.10:g.(?_77431295)_(77434695_?)dup

Gene: ADAMTS18 (ADAM metallopeptidase with thrombospondin type 1 motif 18; minus strand). Cytogenetic location: 16q23.1.
Variant type: Duplication.
Identifiers: ClinVar variation 832688 (VCV000832688.1).